The following is an entry in ClinVar:

NM_007294.4(BRCA1):c.2098_2099insA (p.Leu700fs)

Gene: BRCA1 (BRCA1 DNA repair associated; minus strand). Cytogenetic location: 17q21.31.
Variant type: Insertion.
Coding change: c.2098_2099insA on transcript NM_007294.4 (MANE Select); coding-DNA positions 2098 to 2099, A inserted.
Protein change: p.Leu700fs; shifts the reading frame from leucine 700.
Molecular consequence: frameshift variant. On other transcripts: intron variant (137).
Genome position: GRCh38 VCF-style: chr17-43093432-A-AT. GRCh37 (hg19) VCF-style: chr17-41245449-A-AT.
Other names: 2217insA; c.2098_2099insA, p.Leu700fs (NM_001407594.1, NM_001407596.1, NM_001407597.1 and 30 more transcripts); c.2095_2096insA, p.Leu699fs (NM_001407627.1, NM_001407638.1, NM_001407644.1 and 22 more transcripts); c.2089_2090insA, p.Leu697fs (NM_001407646.1, NM_001407647.1); c.2017_2018insA, p.Leu673fs (NM_001407659.1, NM_001407660.1, NM_001407661.1 and 1 more transcripts); c.2020_2021insA, p.Leu674fs (NM_001407663.1, NM_001407653.1, NM_001407654.1 and 4 more transcripts); c.1975_1976insA, p.Leu659fs (NM_001407664.1, NM_001407665.1, NM_001407666.1 and 19 more transcripts); c.1957_1958insA, p.Leu653fs (NM_001407696.1, NM_001407697.1, NM_001407698.1 and 29 more transcripts); and 42 more; short protein forms L653fs, L700fs, L572fs, L589fs, L633fs, L674fs, L697fs, L573fs.
Identifiers: ClinVar variation 125539 (VCV000125539.3), dbSNP rs483353086, ClinGen allele CA001388.
Genomic context (GRCh38, chr17:43,093,432, plus strand): 5'-TCTTTAAGTTCACTGGTATTTGAACACTTAGTAAAAGAACCAGGTGCATTTGTTAACTTC[A>AT]GCTCTGGGAAAGTATCGCTGTCATGTCTTTTACTTGTCTGTTCATTTGGCTTGTTACTCT-3'

ClinVar aggregate classification (germline): Pathogenic. Review status: reviewed by expert panel (3 of 4 stars). 2 submissions from 2 submitters: Pathogenic (1). 1 of the submissions does not count toward it. Last evaluated 2016-09-08.

Conditions:
Breast-ovarian cancer, familial, susceptibility to, 1 (BROVCA1). Also called: BRCA1 Hereditary Breast and Ovarian Cancer; OVARIAN CANCER, SUSCEPTIBILITY TO. Identifiers: Orphanet 145, MedGen C2676676, MONDO:0011450, OMIM 604370. Disease mechanism: loss of function.

Submissions (2):

Evidence-based Network for the Interpretation of Germline Mutant Alleles (ENIGMA)
Classification: Pathogenic for Breast-ovarian cancer, familial, susceptibility to, 1. Last evaluated: 2016-09-08. Review status: reviewed by expert panel. Criteria: ENIGMA BRCA1/2 Classification Criteria (2015). Collection method: curation. Allele origin: germline.
Comment: Variant allele predicted to encode a truncated non-functional protein.

Breast Cancer Information Core (BIC) (BRCA1)
No classification provided. Condition: Breast-ovarian cancer, familial 1. Review status: no classification provided. Collection method: clinical testing. Allele origin: somatic. Affected: yes. Observed: 1 variant allele. Not counted in ClinVar's aggregate classification.